The following is an entry in ClinVar:

NM_025179.4(PLXNA2):c.1413G>C (p.Glu471Asp)

Gene: PLXNA2 (plexin A2; minus strand). Cytogenetic location: 1q32.2.
Variant type: single nucleotide variant.
Coding change: c.1413G>C on transcript NM_025179.4 (MANE Select); coding-DNA position 1413, G replaced by C.
Protein change: p.Glu471Asp; replaces glutamic acid 471 with aspartic acid.
Molecular consequence: missense variant.
Genome position (GRCh38, 1-based): chr1:208,142,422, C>G on the plus strand (G>C on the coding strand, the complement: PLXNA2 is on the minus strand). VCF-style: chr1-208142422-C-G. GRCh37 (hg19) VCF-style: chr1-208315767-C-G.
Other names: short protein forms E471D.
Identifiers: ClinVar variation 4993013 (VCV004993013.1).

ClinVar aggregate classification (germline): Uncertain significance (1 of 4 stars; one submission).

Conditions:
PLXNA2-related disorder. Also called: PLXNA2-related condition.

gnomAD v4.1: 2 of 1,613,640 alleles (0.00012%); highest among the groups gnomAD compares: Admixed American, 0.0033%; no homozygotes.

Submission:

PreventionGenetics, part of Exact Sciences
Classification: Uncertain significance for PLXNA2-related condition. Last evaluated: 2026-07-06. Review status: criteria provided, single submitter. Criteria: ACMG Guidelines, 2015. Collection method: clinical testing. Allele origin: germline.
Comment: The PLXNA2 c.1413G>C variant is predicted to result in the amino acid substitution p.Glu471Asp. To our knowledge, this variant has not been reported in the literature. This variant is reported in 0.0029% of alleles in individuals of Latino descent in gnomAD. At this time, the clinical significance of this variant is uncertain due to the absence of conclusive functional and genetic evidence.